The following is an entry in ClinVar:

ClinVar aggregate classification (germline): Conflicting classifications of pathogenicity. Review status: criteria provided, conflicting classifications (1 of 4 stars). 12 submissions from 12 submitters: Uncertain significance (2); Benign (2); Likely benign (7). 1 of the submissions does not count toward it. Last evaluated 2026-02-01.

Conditions:
NF1-related disorder. Also called: NF1-related condition. Identifiers: MedGen CN379171.
Hereditary cancer-predisposing syndrome. Also called: Tumor predisposition; Neoplastic Syndromes, Hereditary; Hereditary Cancer Syndrome; Hereditary neoplastic syndrome. Identifiers: Orphanet 140162, MedGen C0027672, MeSH D009386, MONDO:0015356.
Tuberous sclerosis syndrome (TSC). Also called: Tuberous Sclerosis Complex; Tuberous sclerosis. Identifiers: Orphanet 805, MedGen C0041341, MONDO:0001734.
Neurofibromatosis, type 1 (NF1). Also called: Peripheral type neurofibromatosis; Neurofibromatosis, type I; NEUROFIBROMATOSIS, TYPE I, SOMATIC; VON RECKLINGHAUSEN DISEASE. Identifiers: Orphanet 636, MedGen C0027831, MONDO:0018975, OMIM 162200. Disease mechanism: loss of function.

Allele frequency attached by ClinVar (database versions not stated): TOPMed 0.00005; gnomAD 0.00006; gnomAD exomes 0.00007 and 0.00004; ESP Exome Variant Server 0.00015; ExAC 0.00003.
gnomAD v4.1: 107 of 1,614,096 alleles (0.0066%); highest among the groups gnomAD compares: African/African-American, 0.013%; no homozygotes.

Submissions (12):

Labcorp Genetics (formerly Invitae), Labcorp
Classification: Likely benign for Neurofibromatosis, type 1. Last evaluated: 2026-02-01. Review status: criteria provided, single submitter. Criteria: Invitae Variant Classification Sherloc (09022015). Collection method: clinical testing. Allele origin: germline.

CeGaT Center for Human Genetics Tuebingen
Classification: Likely benign. Last evaluated: 2026-01-01. Review status: criteria provided, single submitter. Criteria: CeGaT Center For Human Genetics Tuebingen Variant Classification Criteria Version 2. Collection method: clinical testing. Allele origin: germline. Affected: yes. Observed: 1 variant allele.
Comment: NF1: BS1

Laboratorio de I+D, Fundación Centro Médico de Asturias
Classification: Benign for Hereditary cancer-predisposing syndrome. Last evaluated: 2025-07-17. Review status: criteria provided, single submitter. Criteria: ACMG Guidelines, 2015. Collection method: clinical testing. Allele origin: germline.
Comment: BS1+BS2+PP4_Strong+PP2

Quest Diagnostics Nichols Institute San Juan Capistrano
Classification: Uncertain significance. Last evaluated: 2025-05-07. Review status: criteria provided, single submitter. Criteria: Quest Diagnostics criteria. Collection method: clinical testing. Allele origin: unknown.

Blueprint Genetics
Classification: Likely benign. Last evaluated: 2024-10-25. Review status: criteria provided, single submitter. Criteria: ACMG Guidelines, 2015. Collection method: clinical testing. Allele origin: germline.

Women's Health and Genetics/Laboratory Corporation of America, LabCorp
Classification: Uncertain significance. Last evaluated: 2023-07-02. Review status: criteria provided, single submitter. Criteria: LabCorp Variant Classification Summary - May 2015. Collection method: clinical testing. Allele origin: germline.
Comment: Variant summary: NF1 c.3686A>G (p.Asn1229Ser) results in a conservative amino acid change located in the Ras GTPase-activating domain of the encoded protein sequence. Four of five in-silico tools predict a benign effect of the variant on protein function. The variant allele was found at a frequency of 3.6e-05 in 251370 control chromosomes (gnomAD). The available data on variant occurrences in the general population are insufficient to allow any conclusion about variant significance. c.3686A>G has been reported in the literature in individuals affected with Neurofibromatosis Type 1, however, authors reported the causative variant in this individual was NF1 c.1466A>G, p.Tyr489Cys (CV ID 354 Pathogenic), providing supporting evidence for a benign role (example: Ars_2003). To our knowledge, no experimental evidence demonstrating an impact on protein function has been reported. The following publication has been ascertained in the context of this evaluation (PMID: 12807981). Five submitters have cited clinical-significance assessments for this variant to ClinVar after 2014. All submitters classified the variant as benign/likely benign. Based on the evidence outlined above, the variant was classified as VUS-possibly benign.

Genome-Nilou Lab
Classification: Likely benign for Neurofibromatosis, type 1. Last evaluated: 2022-03-15. Review status: criteria provided, single submitter. Criteria: ACMG Guidelines, 2015. Collection method: clinical testing. Allele origin: germline. Affected: no.

Sema4
Classification: Likely benign for Hereditary cancer-predisposing syndrome. Last evaluated: 2021-02-23. Review status: criteria provided, single submitter. Criteria: Sema4 Curation Guidelines. Collection method: curation. Allele origin: germline.

Cambridge Genomics Laboratory, East Genomic Laboratory Hub, NHS Genomic Medicine Service
Classification: Likely benign for Tuberous sclerosis syndrome. Last evaluated: 2019-12-10. Review status: criteria provided, single submitter. Criteria: ACGS Best Practice Guidelines for Variant Classification in Rare Disease 2020. Collection method: clinical testing. Allele origin: germline. Affected: yes. Observed: 1 variant allele.

GeneDx
Classification: Likely benign. Last evaluated: 2017-10-12. Review status: criteria provided, single submitter. Criteria: GeneDx Variant Classification (06012015). Collection method: clinical testing. Allele origin: germline. Affected: yes.
Comment: This variant is considered likely benign or benign based on one or more of the following criteria: it is a conservative change, it occurs at a poorly conserved position in the protein, it is predicted to be benign by multiple in silico algorithms, and/or has population frequency not consistent with disease.

Ambry Genetics
Classification: Benign for Hereditary cancer-predisposing syndrome. Last evaluated: 2015-12-06. Review status: criteria provided, single submitter. Criteria: Ambry Autosomal Dominant and X-Linked criteria (10/2015). Collection method: clinical testing. Allele origin: germline. Observed: 1 variant allele.
Comment: Co-occurence with mutation in same gene (phase unknown);Does not segregate with disease in family study (genes with complete penetrance);In silico models in agreement (benign)

PreventionGenetics, part of Exact Sciences
Classification: Likely benign for NF1-related condition. Last evaluated: 2020-01-09. Review status: no assertion criteria provided. Collection method: clinical testing. Allele origin: germline. Not counted in ClinVar's aggregate classification.
Comment: This variant is classified as likely benign based on ACMG/AMP sequence variant interpretation guidelines (Richards et al. 2015 PMID: 25741868, with internal and published modifications).

Literature cited by the submitters: PubMed 10678181 (cited by Women's Health and Genetics/Laboratory Corporation of America, LabCorp); PubMed 23460398 (cited by Women's Health and Genetics/Laboratory Corporation of America, LabCorp); PubMed 12807981 (cited by Women's Health and Genetics/Laboratory Corporation of America, LabCorp and Ambry Genetics).

NM_001042492.3(NF1):c.3686A>G (p.Asn1229Ser)

Gene: NF1 (neurofibromin 1; plus strand). Cytogenetic location: 17q11.2.
Variant type: single nucleotide variant.
Coding change: c.3686A>G on transcript NM_001042492.3 (MANE Select); coding-DNA position 3686, A replaced by G.
Protein change: p.Asn1229Ser; replaces asparagine 1229 with serine.
Molecular consequence: missense variant.
Genome position (GRCh38, 1-based): chr17:31,233,191, A>G. VCF-style: chr17-31233191-A-G. GRCh37 (hg19) VCF-style: chr17-29560209-A-G.
Other names: c.3686A>G, p.Asn1229Ser (NM_000267.4); short protein forms N1229S.
Identifiers: ClinVar variation 185096 (VCV000185096.25), dbSNP rs140523180, ClinGen allele CA191008.